The following is an entry in ClinVar:

ClinVar aggregate classification (germline): Pathogenic (1 of 4 stars; one submission).

Conditions:
Familial cancer of breast. Also called: Hereditary breast cancer; hereditary breast carcinoma; BREAST CANCER, FAMILIAL. Identifiers: Orphanet 227535, MedGen C0346153, MONDO:0016419, OMIM 114480. Disease mechanism: loss of function.

Submission:

Labcorp Genetics (formerly Invitae), Labcorp
Classification: Pathogenic for Familial cancer of breast. Last evaluated: 2024-07-17. Review status: criteria provided, single submitter. Criteria: Invitae Variant Classification Sherloc (09022015). Collection method: clinical testing. Allele origin: germline.
Comment: This sequence change creates a premature translational stop signal (p.Arg129Serfs*3) in the BARD1 gene. It is expected to result in an absent or disrupted protein product. Loss-of-function variants in BARD1 are known to be pathogenic (PMID: 20077502, 21344236). This variant is not present in population databases (gnomAD no frequency). This variant has not been reported in the literature in individuals affected with BARD1-related conditions. Algorithms developed to predict the effect of sequence changes on RNA splicing suggest that this variant may disrupt the consensus splice site. For these reasons, this variant has been classified as Pathogenic.

Literature cited by the submitters: PubMed 20077502; PubMed 21344236.

NM_000465.4(BARD1):c.386_387insTTTTT (p.Arg129fs)

Gene: BARD1 (BRCA1 associated RING domain 1; minus strand). Cytogenetic location: 2q35.
Variant type: Insertion.
Coding change: c.386_387insTTTTT on transcript NM_000465.4 (MANE Select); coding-DNA positions 386 to 387, TTTTT inserted.
Protein change: p.Arg129fs; shifts the reading frame from arginine 129.
Molecular consequence: frameshift variant. On other transcripts: non-coding transcript variant (2), intron variant (3).
Genome position: GRCh38 VCF-style: chr2-214781487-C-CAAAAA. GRCh37 (hg19) VCF-style: chr2-215646211-C-CAAAAA.
Other names: c.329_330insTTTTT, p.Arg110fs (NM_001282543.2); c.158+27924_158+27925insTTTTT (NM_001282548.2); c.215+15573_215+15574insTTTTT (NM_001282545.2); c.364+10809_364+10810insTTTTT (NM_001282549.2); short protein forms R129fs, R110fs.
Identifiers: ClinVar variation 3659756 (VCV003659756.2).